The following is an entry in ClinVar:

ClinVar aggregate classification (germline): Uncertain significance. Review status: criteria provided, multiple submitters, no conflicts (2 of 4 stars). 3 submissions from 3 submitters: Uncertain significance (3). Last evaluated 2024-05-31.

Conditions:
Emery-Dreifuss muscular dystrophy 4, autosomal dominant (EDMD4). Also called: EMERY-DREIFUSS MUSCULAR DYSTROPHY 4 WITH VARIABLE FEATURES. Identifiers: Orphanet 261, MedGen C2751807, MONDO:0013071, OMIM 612998.
Autosomal recessive ataxia, Beauce type. Also called: Spinocerebellar ataxia, autosomal recessive 8; ATAXIA, RECESSIVE, OF BEAUCE; SYNE1 Deficiency; SYNE1-Related Autosomal Recessive Cerebellar Ataxia. Identifiers: Orphanet 88644, MedGen C1853116, MONDO:0012549, OMIM 610743.

Submissions (3):

Revvity Omics, Revvity
Classification: Uncertain significance. Last evaluated: 2024-05-31. Review status: criteria provided, single submitter. Criteria: ACMG Guidelines, 2015. Collection method: clinical testing. Allele origin: germline.

Labcorp Genetics (formerly Invitae), Labcorp
Classification: Uncertain significance for Emery-Dreifuss muscular dystrophy 4, autosomal dominant; Autosomal recessive ataxia, Beauce type. Last evaluated: 2023-08-14. Review status: criteria provided, single submitter. Criteria: Invitae Variant Classification Sherloc (09022015). Collection method: clinical testing. Allele origin: germline.
Comment: Experimental studies and prediction algorithms are not available or were not evaluated, and the functional significance of this variant is currently unknown. This variant has not been reported in the literature in individuals affected with SYNE1-related conditions. Information on the frequency of this variant in the gnomAD database is not available, as this variant may be reported differently in the database. This variant, c.13536_13538delinsGTG, is a complex sequence change that results in the deletion of 2 and insertion of 2 amino acid(s) in the SYNE1 protein (p.Ile4512_Val4513delinsMetCys). In summary, the available evidence is currently insufficient to determine the role of this variant in disease. Therefore, it has been classified as a Variant of Uncertain Significance.

Athena Diagnostics
Classification: Uncertain significance. Last evaluated: 2019-05-08. Review status: criteria provided, single submitter. Criteria: Athena Diagnostics Criteria. Collection method: clinical testing. Allele origin: germline.

NM_182961.4(SYNE1):c.13749_13751delinsGTG (p.Ile4583_Val4584delinsMetCys)

Gene: SYNE1 (spectrin repeat containing nuclear envelope protein 1; minus strand). Cytogenetic location: 6q25.2.
Variant type: Indel.
Coding change: c.13749_13751delinsGTG on transcript NM_182961.4 (MANE Select); coding-DNA positions 13749 to 13751, TGT replaced by GTG.
Protein change: p.Ile4583_Val4584delinsMetCys.
Molecular consequence: missense variant.
Genome position (GRCh38, 1-based): chr6:152,330,934-152,330,936, ACA replaced by CAC on the plus strand (TGT replaced by GTG on the coding strand, the reverse complement: SYNE1 is on the minus strand). VCF-style: chr6-152330934-ACA-CAC. GRCh37 (hg19) VCF-style: chr6-152652069-ACA-CAC.
Other names: c.13536_13538delinsGTG (NM_033071.3); c.13536_13538delinsGTG, p.Ile4512_Val4513delinsMetCys (NM_033071.5).
Identifiers: ClinVar variation 805550 (VCV000805550.5), dbSNP rs1590225545, ClinGen allele CA915944449.